The following is an entry in ClinVar:

NM_000824.5(GLRB):c.1177G>C (p.Val393Leu)

Gene: GLRB (glycine receptor beta; plus strand). Cytogenetic location: 4q32.1.
Variant type: single nucleotide variant.
Coding change: c.1177G>C on transcript NM_000824.5 (MANE Select); coding-DNA position 1177, G replaced by C.
Protein change: p.Val393Leu; replaces valine 393 with leucine.
Molecular consequence: missense variant. On other transcripts: intron variant (1).
Genome position (GRCh38, 1-based): chr4:157,152,990, G>C. VCF-style: chr4-157152990-G-C. GRCh37 (hg19) VCF-style: chr4-158074142-G-C.
Other names: c.1177G>C, p.Val393Leu (NM_001166060.2); c.904+9031G>C (NM_001166061.2); short protein forms V393L.
Identifiers: ClinVar variation 1979476 (VCV001979476.4), dbSNP rs756482232, ClinGen allele CA3119957.

ClinVar aggregate classification (germline): Uncertain significance (1 of 4 stars; one submission).

Conditions:
Hyperekplexia 2 (HKPX2). Identifiers: Orphanet 3197, MedGen C3553291, MONDO:0013828, OMIM 614619.

Allele frequency attached by ClinVar (database versions not stated): TOPMed below 0.00001; ExAC 0.00001.
gnomAD v4.1: 5 of 1,613,490 alleles (0.00031%); highest among the groups gnomAD compares: African/African-American, 0.0067%; no homozygotes.

Submission:

Labcorp Genetics (formerly Invitae), Labcorp
Classification: Uncertain significance for Hyperekplexia 2. Last evaluated: 2022-07-11. Review status: criteria provided, single submitter. Criteria: Invitae Variant Classification Sherloc (09022015). Collection method: clinical testing. Allele origin: germline.
Comment: This sequence change replaces valine, which is neutral and non-polar, with leucine, which is neutral and non-polar, at codon 393 of the GLRB protein (p.Val393Leu). This variant is present in population databases (rs756482232, gnomAD 0.007%). This variant has not been reported in the literature in individuals affected with GLRB-related conditions. Advanced modeling of protein sequence and biophysical properties (such as structural, functional, and spatial information, amino acid conservation, physicochemical variation, residue mobility, and thermodynamic stability) performed at Invitae indicates that this missense variant is not expected to disrupt GLRB protein function. In summary, the available evidence is currently insufficient to determine the role of this variant in disease. Therefore, it has been classified as a Variant of Uncertain Significance.